The following is an entry in ClinVar:

ClinVar aggregate classification (germline): Conflicting classifications of pathogenicity. Review status: criteria provided, conflicting classifications (1 of 4 stars). 3 submissions from 3 submitters: Likely pathogenic (1); Uncertain significance (2). Last evaluated 2025-02-13.

Allele frequency attached by ClinVar (database versions not stated): gnomAD exomes below 0.00001; gnomAD 0.00001; TOPMed 0.00001.
gnomAD v4.1: 3 of 1,590,592 alleles (0.00019%); highest among the groups gnomAD compares: African/African-American, 0.0013%; no homozygotes.

Submissions (3):

Labcorp Genetics (formerly Invitae), Labcorp
Classification: Uncertain significance. Last evaluated: 2025-02-13. Review status: criteria provided, single submitter. Criteria: Invitae Variant Classification Sherloc (09022015). Collection method: clinical testing. Allele origin: germline.
Comment: This sequence change replaces glutamine, which is neutral and polar, with arginine, which is basic and polar, at codon 2119 of the MYO7A protein (p.Gln2119Arg). This variant is not present in population databases (gnomAD no frequency). This missense change has been observed in individual(s) with Usher syndrome (internal data). ClinVar contains an entry for this variant (Variation ID: 1256428). An algorithm developed to predict the effect of missense changes on protein structure and function (PolyPhen-2) suggests that this variant is likely to be disruptive. In summary, the available evidence is currently insufficient to determine the role of this variant in disease. Therefore, it has been classified as a Variant of Uncertain Significance.

GeneDx
Classification: Uncertain significance. Last evaluated: 2024-10-01. Review status: criteria provided, single submitter. Criteria: GeneDx Variant Classification Process June 2021. Collection method: clinical testing. Allele origin: germline. Affected: yes.
Comment: Not observed at significant frequency in large population cohorts (gnomAD); In silico analysis supports that this missense variant has a deleterious effect on protein structure/function; Has not been previously published as pathogenic or benign to our knowledge

Athena Diagnostics
Classification: Likely pathogenic. Last evaluated: 2021-04-08. Review status: criteria provided, single submitter. Criteria: Athena Diagnostics Criteria. Collection method: clinical testing. Allele origin: unknown.
Comment: This variant has not been reported in large, multi-ethnic general populations. This variant appears to segregate with disease in a family tested at Athena Diagnostics, however, the available information does not rule out segregation due to chance. Computational tools predict that this variant is damaging.

NM_000260.4(MYO7A):c.6356A>G (p.Gln2119Arg)

Gene: MYO7A (myosin VIIA; plus strand). Cytogenetic location: 11q13.5.
Variant type: single nucleotide variant.
Coding change: c.6356A>G on transcript NM_000260.4 (MANE Select); coding-DNA position 6356, A replaced by G.
Protein change: p.Gln2119Arg; replaces glutamine 2119 with arginine.
Molecular consequence: missense variant.
Genome position (GRCh38, 1-based): chr11:77,212,953, A>G. VCF-style: chr11-77212953-A-G. GRCh37 (hg19) VCF-style: chr11-76923998-A-G.
Other names: c.6236A>G, p.Gln2079Arg (NM_001127180.2); c.6209A>G, p.Gln2070Arg (NM_001369365.1); short protein forms Q2070R, Q2079R, Q2119R.
Identifiers: ClinVar variation 1256428 (VCV001256428.7), dbSNP rs1029122324, ClinGen allele CA224829222.